The following is an entry in ClinVar:

NM_005121.3(MED13):c.2263+2T>C

Gene: MED13 (mediator complex subunit 13; minus strand). Cytogenetic location: 17q23.2.
Variant type: single nucleotide variant.
Coding change: c.2263+2T>C on transcript NM_005121.3 (MANE Select); the canonical splice donor site of the intron after coding-DNA position 2263, T replaced by C.
Molecular consequence: splice donor variant.
Genome position (GRCh38, 1-based): chr17:61,992,538, A>G on the plus strand (T>C on the coding strand, the complement: MED13 is on the minus strand). VCF-style: chr17-61992538-A-G. GRCh37 (hg19) VCF-style: chr17-60069899-A-G.
Identifiers: ClinVar variation 3893341 (VCV003893341.1).

ClinVar aggregate classification (germline): Pathogenic (1 of 4 stars; one submission).

Submission:

GeneDx
Classification: Pathogenic. Last evaluated: 2024-10-27. Review status: criteria provided, single submitter. Criteria: GeneDx Variant Classification Process June 2021. Collection method: clinical testing. Allele origin: germline. Affected: yes.
Comment: Canonical splice site variant predicted to result in a null allele in a gene for which loss of function is a known mechanism of disease; Not observed at significant frequency in large population cohorts (gnomAD); Has not been previously published as pathogenic or benign to our knowledge